The following is an entry in ClinVar:

NM_024757.5(EHMT1):c.2610_2613dup (p.Gly872Ter)

Gene: EHMT1 (euchromatic histone lysine methyltransferase 1; plus strand). Cytogenetic location: 9q34.3.
Variant type: Duplication.
Coding change: c.2610_2613dup on transcript NM_024757.5 (MANE Select); coding-DNA positions 2610 to 2613, 4 bases duplicated (TGAC; older notation c.2610_2613dupTGAC).
Protein change: p.Gly872Ter; replaces glycine 872 with a stop codon.
Molecular consequence: nonsense.
Genome position (GRCh38, 1-based): chr9:137,800,882-137,800,885, TGAC duplicated. VCF-style (leftmost placement, unchanged base first): chr9-137800881-A-ATGAC. GRCh37 (hg19) VCF-style: chr9-140695333-A-ATGAC.
Other names: c.2589_2592dup, p.Gly865Ter (NM_001354263.2); short protein forms G865*, G872*.
Identifiers: ClinVar variation 2632293 (VCV002632293.1), dbSNP rs2538413303, ClinGen allele CA2695199443.

ClinVar aggregate classification (germline): Pathogenic (1 of 4 stars; one submission).

Conditions:
EHMT1-related disorder. Also called: EHMT1-related condition.

Submission:

PreventionGenetics, part of Exact Sciences
Classification: Pathogenic for EHMT1-related condition. Last evaluated: 2023-05-29. Review status: criteria provided, single submitter. Criteria: ACMG Guidelines, 2015. Collection method: clinical testing. Allele origin: germline.
Comment: The EHMT1 c.2610_2613dupTGAC variant is predicted to result in premature protein termination (p.Gly872*). To our knowledge, this variant has not been reported in the literature or in a large population database, indicating this variant is rare. Nonsense variants in EHMT1 are expected to be pathogenic. This variant is interpreted as pathogenic.